The following is an entry in ClinVar:

ClinVar aggregate classification (germline): Conflicting classifications of pathogenicity. Review status: criteria provided, conflicting classifications (1 of 4 stars). 3 submissions from 3 submitters: Uncertain significance (1); Likely benign (2). Last evaluated 2024-03-15.

Conditions:
Juvenile nephropathic cystinosis. Also called: Intermediate Cystinosis; Later-Onset (Juvenile) Cystinosis; CYSTINOSIS, LATE-ONSET JUVENILE OR ADOLESCENT NEPHROPATHIC TYPE. Identifiers: Orphanet 213, Orphanet 411634, MedGen C0268626, MONDO:0009066, OMIM 219900.
Inborn genetic diseases. Identifiers: MedGen C0950123, MeSH D030342.
Ocular cystinosis. Also called: Non-Nephropathic Cystinosis; Non-Nephropathic (Ocular) Cystinosis. Identifiers: Orphanet 213, Orphanet 411641, MedGen C2931013, MONDO:0009064, OMIM 219750.
Nephropathic cystinosis (CTNS). Also called: CYSTINOSIN, DEFECT OF; LYSOSOMAL CYSTINE TRANSPORT PROTEIN, DEFECT OF; Abderhalden Lignac Kaufmann disease; Abderhalden-Kaufmann-Lignac syndrome. Identifiers: Orphanet 213, Orphanet 411629, MedGen C2931187, MONDO:0100151, OMIM 219800.

Allele frequency attached by ClinVar (database versions not stated): ESP Exome Variant Server 0.00008; TOPMed 0.00008; 1000 Genomes Project 30x 0.00062; 1000 Genomes Project 0.00080.

Submissions (3):

Fulgent Genetics
Classification: Likely benign for Ocular cystinosis; Nephropathic cystinosis; Juvenile nephropathic cystinosis. Last evaluated: 2024-03-15. Review status: criteria provided, single submitter. Criteria: ACMG Guidelines, 2015. Collection method: clinical testing. Allele origin: germline.

Labcorp Genetics (formerly Invitae), Labcorp
Classification: Uncertain significance for Inborn genetic diseases; Ocular cystinosis; Juvenile nephropathic cystinosis. Last evaluated: 2022-10-31. Review status: criteria provided, single submitter. Criteria: Invitae Variant Classification Sherloc (09022015). Collection method: clinical testing. Allele origin: germline.
Comment: This sequence change replaces glycine, which is neutral and non-polar, with serine, which is neutral and polar, at codon 229 of the CTNS protein (p.Gly229Ser). This variant is present in population databases (rs200336280, gnomAD 0.2%). This variant has not been reported in the literature in individuals affected with CTNS-related conditions. ClinVar contains an entry for this variant (Variation ID: 1343598). Advanced modeling of protein sequence and biophysical properties (such as structural, functional, and spatial information, amino acid conservation, physicochemical variation, residue mobility, and thermodynamic stability) performed at Invitae indicates that this missense variant is not expected to disrupt CTNS protein function. Algorithms developed to predict the effect of sequence changes on RNA splicing suggest that this variant may create or strengthen a splice site. In summary, the available evidence is currently insufficient to determine the role of this variant in disease. Therefore, it has been classified as a Variant of Uncertain Significance.

Women's Health and Genetics/Laboratory Corporation of America, LabCorp
Classification: Likely benign. Last evaluated: 2022-02-18. Review status: criteria provided, single submitter. Criteria: LabCorp Variant Classification Summary - May 2015. Collection method: clinical testing. Allele origin: germline.
Comment: Variant summary: CTNS c.685G>A (p.Gly229Ser) results in a non-conservative amino acid change in the encoded protein sequence. Three of five in-silico tools predict a damaging effect of the variant on protein function. The variant allele was found at a frequency of 0.0003 in 249444 control chromosomes, predominantly reported within the South Asian subpopulation at a frequency of 0.0016 in the gnomAD database. This frequency is somewhat lower than the estimated maximum expected for a pathogenic variant in CTNS causing Cystinosis (0.0025), allowing no clear conclusions about variant significance. However, a different variant affecting the same nucleotide, c.685G>T (p.Gly229Cys), is also reported with a similar frequency (0.0015) in South Asians in the gnomAD database, including 2 homozygotes. To our knowledge, no occurrence of c.685G>A in individuals affected with Cystinosis and no experimental evidence demonstrating its impact on protein function have been reported. No clinical diagnostic laboratories have submitted clinical-significance assessments for this variant to ClinVar after 2014. Based on the evidence outlined above, the variant was classified as likely benign.

NM_004937.3(CTNS):c.685G>A (p.Gly229Ser)

Genes: CTNS (cystinosin, lysosomal cystine transporter; plus strand), CTNS-AS1 (CTNS antisense RNA 1; minus strand). Cytogenetic location: 17p13.2.
Variant type: single nucleotide variant.
Coding change: c.685G>A on transcript NM_004937.3 (MANE Select); coding-DNA position 685, G replaced by A.
Protein change: p.Gly229Ser; replaces glycine 229 with serine.
Molecular consequence: missense variant.
Genome position (GRCh38, 1-based): chr17:3,658,008, G>A. VCF-style: chr17-3658008-G-A. GRCh37 (hg19) VCF-style: chr17-3561302-G-A.
Other names: c.685G>A, p.Gly229Ser (NM_001031681.3, NM_001374492.1); c.244G>A, p.Gly82Ser (NM_001374493.1, NM_001374494.1, NM_001374495.1 and 1 more transcripts); short protein forms G229S, G82S.
Identifiers: ClinVar variation 1343598 (VCV001343598.4), dbSNP rs200336280, ClinGen allele CA8291857.